The following is an entry in ClinVar:

NM_001042492.3(NF1):c.5784A>G (p.Glu1928=)

Gene: NF1 (neurofibromin 1; plus strand). Cytogenetic location: 17q11.2.
Variant type: single nucleotide variant.
Coding change: c.5784A>G on transcript NM_001042492.3 (MANE Select); coding-DNA position 5784, A replaced by G.
Protein change: p.Glu1928=; no amino-acid change (glutamic acid 1928 retained).
Molecular consequence: synonymous variant.
Genome position (GRCh38, 1-based): chr17:31,330,470, A>G. VCF-style: chr17-31330470-A-G. GRCh37 (hg19) VCF-style: chr17-29657488-A-G.
Other names: c.5721A>G, p.Glu1907= (NM_000267.4).
Identifiers: ClinVar variation 2750856 (VCV002750856.5), dbSNP rs2151544946, ClinGen allele CA499233559.

ClinVar aggregate classification (germline): Benign/Likely benign. Review status: criteria provided, multiple submitters, no conflicts (2 of 4 stars). 3 submissions from 3 submitters: Benign (1); Likely benign (2). Last evaluated 2026-05-20.

Conditions:
Neurofibromatosis, type 1 (NF1). Also called: VON RECKLINGHAUSEN DISEASE; Neurofibromatosis, type I; NEUROFIBROMATOSIS, TYPE I, SOMATIC; Peripheral type neurofibromatosis. Identifiers: Orphanet 636, MedGen C0027831, MONDO:0018975, OMIM 162200. Disease mechanism: loss of function.
Cardiovascular phenotype. Identifiers: MedGen CN230736.
Hereditary cancer-predisposing syndrome. Also called: Hereditary Cancer Syndrome; Hereditary neoplastic syndrome; Neoplastic Syndromes, Hereditary; Tumor predisposition. Identifiers: Orphanet 140162, MedGen C0027672, MeSH D009386, MONDO:0015356.

Allele frequency attached by ClinVar (database versions not stated): gnomAD exomes below 0.00001.
gnomAD v4.1: 1 of 1,613,540 alleles (0.000062%); highest among the groups gnomAD compares: African/African-American, 0.0013%; no homozygotes.

Submissions (3):

Myriad Genetics, Inc.
Classification: Benign for Neurofibromatosis, type 1. Last evaluated: 2026-05-20. Review status: criteria provided, single submitter. Criteria: Myriad Autosomal Dominant, Autosomal Recessive and X-Linked Classification Criteria (2023). Collection method: clinical testing. Allele origin: unknown.
Comment: This variant is considered benign. This variant is a silent/synonymous amino acid change and it is not expected to impact splicing.

Labcorp Genetics (formerly Invitae), Labcorp
Classification: Likely benign for Neurofibromatosis, type 1. Last evaluated: 2023-08-07. Review status: criteria provided, single submitter. Criteria: Invitae Variant Classification Sherloc (09022015). Collection method: clinical testing. Allele origin: germline.

Ambry Genetics
Classification: Likely benign for Cardiovascular phenotype; Hereditary cancer-predisposing syndrome. Last evaluated: 2023-05-07. Review status: criteria provided, single submitter. Criteria: Ambry Variant Classification Scheme 2023. Collection method: clinical testing. Allele origin: germline.